The following is an entry in ClinVar:

NM_015978.3(TNNI3K):c.521C>T (p.Ala174Val)

Genes: FPGT-TNNI3K (FPGT-TNNI3K readthrough; plus strand), TNNI3K (TNNI3 interacting kinase; plus strand). Cytogenetic location: 1p31.1.
Variant type: single nucleotide variant.
Coding change: c.521C>T on transcript NM_015978.3 (MANE Select); coding-DNA position 521, C replaced by T.
Protein change: p.Ala174Val; replaces alanine 174 with valine.
Molecular consequence: missense variant.
Genome position (GRCh38, 1-based): chr1:74,331,526, C>T. VCF-style: chr1-74331526-C-T. GRCh37 (hg19) VCF-style: chr1-74797210-C-T.
Other names: c.824C>T, p.Ala275Val (NM_001112808.3, NM_001199327.2); short protein forms A275V, A174V.
Identifiers: ClinVar variation 3657227 (VCV003657227.2).

ClinVar aggregate classification (germline): Uncertain significance (1 of 4 stars; one submission).

Submission:

Labcorp Genetics (formerly Invitae), Labcorp
Classification: Uncertain significance. Last evaluated: 2024-06-21. Review status: criteria provided, single submitter. Criteria: Invitae Variant Classification Sherloc (09022015). Collection method: clinical testing. Allele origin: germline.
Comment: This sequence change replaces alanine, which is neutral and non-polar, with valine, which is neutral and non-polar, at codon 174 of the TNNI3K protein (p.Ala174Val). This variant is not present in population databases (gnomAD no frequency). This variant has not been reported in the literature in individuals affected with TNNI3K-related conditions. Advanced modeling of protein sequence and biophysical properties (such as structural, functional, and spatial information, amino acid conservation, physicochemical variation, residue mobility, and thermodynamic stability) has been performed at Invitae for this missense variant, however the output from this modeling did not meet the statistical confidence thresholds required to predict the impact of this variant on TNNI3K protein function. In summary, the available evidence is currently insufficient to determine the role of this variant in disease. Therefore, it has been classified as a Variant of Uncertain Significance.